The following is an entry in ClinVar:

NM_002016.2(FLG):c.10113C>T (p.Ser3371=)

Genes: CCDST (cervical cancer associated DHX9 suppressive transcript; plus strand), FLG (filaggrin; minus strand). Cytogenetic location: 1q21.3.
Variant type: single nucleotide variant.
Coding change: c.10113C>T on transcript NM_002016.2 (MANE Select); coding-DNA position 10113, C replaced by T.
Protein change: p.Ser3371=; no amino-acid change (serine 3371 retained).
Molecular consequence: synonymous variant.
Genome position (GRCh38, 1-based): chr1:152,304,773, G>A on the plus strand (C>T on the coding strand, the complement: FLG is on the minus strand). VCF-style: chr1-152304773-G-A. GRCh37 (hg19) VCF-style: chr1-152277249-G-A.
Identifiers: ClinVar variation 3067439 (VCV003067439.22), dbSNP rs141599535, ClinGen allele CA1103536.

ClinVar aggregate classification (germline): Likely benign. Review status: criteria provided, multiple submitters, no conflicts (2 of 4 stars). 2 submissions from 2 submitters: Likely benign (2). Last evaluated 2025-09-01.

Allele frequency attached by ClinVar (database versions not stated): ESP Exome Variant Server 0.00008.
gnomAD v4.1: 122 of 1,613,560 alleles (0.0076%); highest among the groups gnomAD compares: Middle Eastern, 0.016%; no homozygotes.

Submissions (2):

CeGaT Center for Human Genetics Tuebingen
Classification: Likely benign. Last evaluated: 2025-09-01. Review status: criteria provided, single submitter. Criteria: CeGaT Center For Human Genetics Tuebingen Variant Classification Criteria Version 2. Collection method: clinical testing. Allele origin: germline. Affected: yes. Observed: 3 variant alleles.
Comment: FLG: BP4, BP7

Blueprint Genetics
Classification: Likely benign. Last evaluated: 2024-08-15. Review status: criteria provided, single submitter. Criteria: ACMG Guidelines, 2015. Collection method: clinical testing. Allele origin: germline.